The following is an entry in ClinVar:

ClinVar aggregate classification (germline): Uncertain significance (1 of 4 stars; one submission).

Submission:

Labcorp Genetics (formerly Invitae), Labcorp
Classification: Uncertain significance. Last evaluated: 2025-02-18. Review status: criteria provided, single submitter. Criteria: Invitae Variant Classification Sherloc (09022015). Collection method: clinical testing. Allele origin: germline.
Comment: This sequence change replaces glycine, which is neutral and non-polar, with valine, which is neutral and non-polar, at codon 863 of the POLE protein (p.Gly863Val). This variant is not present in population databases (gnomAD no frequency). This variant has not been reported in the literature in individuals affected with POLE-related conditions. ClinVar contains an entry for this variant (Variation ID: 2004654). Invitae Evidence Modeling of protein sequence and biophysical properties (such as structural, functional, and spatial information, amino acid conservation, physicochemical variation, residue mobility, and thermodynamic stability) indicates that this missense variant is expected to disrupt POLE protein function with a positive predictive value of 80%. In summary, the available evidence is currently insufficient to determine the role of this variant in disease. Therefore, it has been classified as a Variant of Uncertain Significance.

NM_006231.4(POLE):c.2588G>T (p.Gly863Val)

Gene: POLE (DNA polymerase epsilon, catalytic subunit; minus strand). Cytogenetic location: 12q24.33.
Variant type: single nucleotide variant.
Coding change: c.2588G>T on transcript NM_006231.4 (MANE Select); coding-DNA position 2588, G replaced by T.
Protein change: p.Gly863Val; replaces glycine 863 with valine.
Molecular consequence: missense variant.
Genome position (GRCh38, 1-based): chr12:132,664,122, C>A on the plus strand (G>T on the coding strand, the complement: POLE is on the minus strand). VCF-style: chr12-132664122-C-A. GRCh37 (hg19) VCF-style: chr12-133240708-C-A.
Other names: short protein forms G863V.
Identifiers: ClinVar variation 2004654 (VCV002004654.4), dbSNP rs2542063652, ClinGen allele CA387395816.